The following is an entry in ClinVar:

ClinVar aggregate classification (germline): Likely benign. Review status: criteria provided, multiple submitters, no conflicts (2 of 4 stars). 2 submissions from 2 submitters: Likely benign (2). Last evaluated 2024-11-20.

Conditions:
RP1L1-related disorder. Also called: RP1L1-related condition.

Submissions (2):

PreventionGenetics, part of Exact Sciences
Classification: Likely benign for RP1L1-related condition. Last evaluated: 2024-11-20. Review status: criteria provided, single submitter. Criteria: ACMG Guidelines, 2015. Collection method: clinical testing. Allele origin: germline.
Comment: This variant is classified as likely benign based on ACMG/AMP sequence variant interpretation guidelines (Richards et al. 2015 PMID: 25741868, with internal and published modifications).

Blueprint Genetics
Classification: Likely benign. Last evaluated: 2021-09-28. Review status: criteria provided, single submitter. Criteria: ACMG Guidelines, 2015. Collection method: clinical testing. Allele origin: germline.

NM_178857.6(RP1L1):c.2424G>T (p.Leu808=)

Gene: RP1L1 (RP1 like 1). Cytogenetic location: 8p23.1.
Variant type: single nucleotide variant.
Coding change: c.2424G>T on transcript NM_178857.6 (MANE Select); coding-DNA position 2424, G replaced by T.
Protein change: p.Leu808=; no amino-acid change (leucine 808 retained).
Molecular consequence: synonymous variant.
Genome position (GRCh38, 1-based): chr8:10,611,674, C>A on the plus strand (G>T on the coding strand, the complement: RP1L1 is on the minus strand). VCF-style: chr8-10611674-C-A. GRCh37 (hg19) VCF-style: chr8-10469184-C-A.
Other names: c.2424G>T (NM_178857.5).
Identifiers: ClinVar variation 4899295 (VCV004899295.2).